The following is an entry in ClinVar:

NM_000089.4(COL1A2):c.1874G>C (p.Gly625Ala)

Gene: COL1A2 (collagen type I alpha 2 chain; plus strand). Cytogenetic location: 7q21.3.
Variant type: single nucleotide variant.
Coding change: c.1874G>C on transcript NM_000089.4 (MANE Select); coding-DNA position 1874, G replaced by C.
Protein change: p.Gly625Ala; replaces glycine 625 with alanine.
Molecular consequence: missense variant.
Genome position (GRCh38, 1-based): chr7:94,417,734, G>C. VCF-style: chr7-94417734-G-C. GRCh37 (hg19) VCF-style: chr7-94047046-G-C.
Other names: short protein forms G625A.
Identifiers: ClinVar variation 1468581 (VCV001468581.6), dbSNP rs72658145, ClinGen allele CA4347222.
Genomic context (GRCh38, chr7:94,417,734, plus strand): 5'-CATTTTCTTCTTTCTCCACTAAAATTGATTTCACATGTGTTTGACTCAAGGGTGAACCTG[G>C]TGTGGTTGGTGCTGTGGGCACTGCTGGTCCATCTGGTCCTAGTGGACTCCCAGGAGAGAG-3'
Protein context (NP_000080.2, residues 615-635): PGPDGNKGEP[Gly625Ala]VVGAVGTAGP

ClinVar aggregate classification (germline): Likely pathogenic (1 of 4 stars; one submission).

Conditions:
Ehlers-Danlos syndrome, classic type, 1 (EDSCL1). Also called: EHLERS-DANLOS SYNDROME, GRAVIS TYPE; EHLERS-DANLOS SYNDROME, SEVERE CLASSIC TYPE; Ehlers-Danlos syndrome, type 1; Ehlers-Danlos Syndrome, Classic Type, COL5A1-Related; EDS I. Identifiers: MedGen C0268335, MONDO:0019567, OMIM 130000.
Osteogenesis imperfecta type I (OI1). Also called: OI, TYPE I; OSTEOGENESIS IMPERFECTA TARDA; OSTEOGENESIS IMPERFECTA WITH BLUE SCLERAE; Osteogenesis imperfecta type 1; Lobstein's Disease; Lobstein disease. Identifiers: Orphanet 216796, Orphanet 666, MedGen C0023931, MONDO:0008146, OMIM 166200. Disease mechanism: loss of function.

Allele frequency attached by ClinVar (database versions not stated): ExAC 0.00002; gnomAD exomes below 0.00001.
gnomAD v4.1: 1 of 1,593,676 alleles (0.000063%); highest among the groups gnomAD compares: Non-Finnish European, 0.000086%; no homozygotes.

Submission:

Labcorp Genetics (formerly Invitae), Labcorp
Classification: Likely pathogenic for Osteogenesis imperfecta type I; Ehlers-Danlos syndrome, classic type, 1. Last evaluated: 2021-08-29. Review status: criteria provided, single submitter. Criteria: Invitae Variant Classification Sherloc (09022015). Collection method: clinical testing. Allele origin: germline.
Comment: In summary, the currently available evidence indicates that the variant is pathogenic, but additional data are needed to prove that conclusively. Therefore, this variant has been classified as Likely Pathogenic. This variant disrupts the triple helix domain of COL1A2. Glycine residues within the Gly-Xaa-Yaa repeats of the triple helix domain are required for the structure and stability of fibrillar collagens (PMID: 7695699, 8218237, 19344236). In COL1A2, variants affecting these glycine residues are significantly enriched in individuals with disease (PMID: 9016532, 17078022) compared to the general population (ExAC). Advanced modeling of protein sequence and biophysical properties (such as structural, functional, and spatial information, amino acid conservation, physicochemical variation, residue mobility, and thermodynamic stability) performed at Invitae indicates that this missense variant is expected to disrupt COL1A2 protein function. This variant has not been reported in the literature in individuals affected with COL1A2-related conditions. The frequency data for this variant in the population databases is considered unreliable, as metrics indicate poor data quality at this position in the ExAC database. This sequence change replaces glycine with alanine at codon 625 of the COL1A2 protein (p.Gly625Ala). The glycine residue is highly conserved and there is a small physicochemical difference between glycine and alanine.

Literature cited by the submitters: PubMed 7695699; PubMed 8218237; PubMed 19344236; PubMed 9016532; PubMed 17078022.